The following is an entry in ClinVar:

Conditions:
Breast-ovarian cancer, familial, susceptibility to, 1 (BROVCA1). Also called: BRCA1 Hereditary Breast and Ovarian Cancer; OVARIAN CANCER, SUSCEPTIBILITY TO. Identifiers: Orphanet 145, MedGen C2676676, MONDO:0011450, OMIM 604370. Disease mechanism: loss of function.

Submission:

Brotman Baty Institute, University of Washington
No classification provided (evidence only). Condition: Breast-ovarian cancer, familial 1. Review status: no classification provided. Collection method: in vitro. Allele origin: not applicable. Functional consequence: functionally_normal.
ClinVar note: "not provided" was previously submitted as the classification for the variant. However, the classification appeared to be based only on an observation of functional data so it was converted to no classification on 2025-07-30.

NM_007294.4(BRCA1):c.5415C>G (p.His1805Gln)

Gene: BRCA1 (BRCA1 DNA repair associated; minus strand). Cytogenetic location: 17q21.31.
Variant type: single nucleotide variant.
Coding change: c.5415C>G on transcript NM_007294.4 (MANE Select); coding-DNA position 5415, C replaced by G.
Protein change: p.His1805Gln; replaces histidine 1805 with glutamine.
Molecular consequence: missense variant. On other transcripts: non-coding transcript variant (1).
Genome position (GRCh38, 1-based): chr17:43,047,695, G>C on the plus strand (C>G on the coding strand, the complement: BRCA1 is on the minus strand). VCF-style: chr17-43047695-G-C. GRCh37 (hg19) VCF-style: chr17-41199712-G-C.
Other names: c.5202C>G, p.His1734Gln (NM_001407571.1, NM_001407907.1, NM_001407908.1 and 12 more transcripts); c.5481C>G, p.His1827Gln (NM_001407581.1, NM_001407582.1); c.5478C>G, p.His1826Gln (NM_001407583.1, NM_001407585.1, NM_001407587.1 and 1 more transcripts); c.5475C>G, p.His1825Gln (NM_001407590.1, NM_001407591.1); c.5415C>G, p.His1805Gln (NM_001407593.1, NM_001407594.1, NM_001407596.1 and 5 more transcripts); c.5412C>G, p.His1804Gln (NM_001407614.1, NM_001407615.1, NM_001407616.1 and 14 more transcripts); c.5409C>G, p.His1803Gln (NM_001407633.1, NM_001407634.1, NM_001407635.1 and 13 more transcripts); c.5337C>G, p.His1779Gln (NM_001407655.1, NM_001407652.1, NM_001407653.1 and 1 more transcripts); and 83 more; short protein forms H1805Q, P677A, H1758Q, H1826Q, H701Q, H1693Q, H1733Q, H1734Q.
Identifiers: ClinVar variation 867381 (VCV000867381.3), dbSNP rs1060504559, ClinGen allele CA10590629.
Genomic context (GRCh38, chr17:43,047,695, plus strand): 5'-CACCTTACCATGGAAGCCATTGTCCTCTGTCCAGGCATCTGGCTGCACAACCACAATTGG[G>C]TGGACACCCTGGATCCCCAGGAAGGAAAGAGCATTCAAAGTGTCAAAGTAGGACTACTGG-3'
Protein context (NP_009225.1, residues 1795-1815): LSSFTLGTGV[His1805Gln]PIVVVQPDAW